The following is an entry in ClinVar:

NM_016363.5(GP6):c.*692C>T

Gene: GP6 (glycoprotein VI platelet; minus strand). Cytogenetic location: 19q13.42.
Variant type: single nucleotide variant.
Coding change: c.*692C>T on transcript NM_016363.5 (MANE Select); 692 bases downstream of the stop codon, C replaced by T.
Molecular consequence: 3 prime UTR variant. On other transcripts: synonymous variant (1).
Genome position (GRCh38, 1-based): chr19:55,014,229, G>A on the plus strand (C>T on the coding strand, the complement: GP6 is on the minus strand). VCF-style: chr19-55014229-G-A. GRCh37 (hg19) VCF-style: chr19-55525597-G-A.
Other names: c.1716C>T, p.Leu572= (NM_001083899.2); c.*692C>T (NM_001256017.2).
Identifiers: ClinVar variation 3039893 (VCV003039893.7), dbSNP rs541786453, ClinGen allele CA310121083.
Genomic context (GRCh38, chr19:55,014,229, plus strand): 5'-TCTCAGCTCACTGCAACCTCTGCCTCCCAGGCTCAAGCCATTCTCCCACCTCAGCCCCCT[G>A]AGTTGCTGGGAGTATAGGGATGCACCACCACACCTGGCTAATTTTTGTGTTTTTTTGTTT-3'

ClinVar aggregate classification (germline): Likely benign. Review status: criteria provided, single submitter (1 of 4 stars). 2 submissions from 2 submitters: Likely benign (1). 1 of the submissions does not count toward it. Last evaluated 2025-12-01.

Conditions:
GP6-related disorder. Also called: GP6-related condition.

Allele frequency attached by ClinVar (database versions not stated): TOPMed 0.00003; gnomAD 0.00023; gnomAD exomes 0.00073; ExAC 0.00122; 1000 Genomes Project 30x 0.00125; 1000 Genomes Project 0.00160.

Submissions (2):

CeGaT Center for Human Genetics Tuebingen
Classification: Likely benign. Last evaluated: 2025-12-01. Review status: criteria provided, single submitter. Criteria: CeGaT Center For Human Genetics Tuebingen Variant Classification Criteria Version 2. Collection method: clinical testing. Allele origin: germline. Affected: yes. Observed: 1 variant allele.
Comment: GP6: BP4, BP7, BS2

PreventionGenetics, part of Exact Sciences
Classification: Benign for GP6-related condition. Last evaluated: 2024-04-26. Review status: no assertion criteria provided. Collection method: clinical testing. Allele origin: germline. Not counted in ClinVar's aggregate classification.
Comment: This variant is classified as benign based on ACMG/AMP sequence variant interpretation guidelines (Richards et al. 2015 PMID: 25741868, with internal and published modifications).